The following is an entry in ClinVar:

ClinVar aggregate classification (germline): Pathogenic. Review status: criteria provided, multiple submitters, no conflicts (2 of 4 stars). 2 submissions from 2 submitters: Pathogenic (2). Last evaluated 2024-06-15.

Conditions:
Polycystic kidney disease, adult type (PKD1). Also called: POLYCYSTIC KIDNEY DISEASE 1 WITH OR WITHOUT POLYCYSTIC LIVER DISEASE; POLYCYSTIC KIDNEY DISEASE, ADULT, TYPE I; Polycystic Kidney Disease 1, Autosomal Dominant; Polycystic kidney disease 1; Polycystic kidney disease 1, severe; Polycystic Kidney, Autosomal Dominant. Identifiers: MedGen C3149841, MONDO:0008263, OMIM 173900.

Submissions (2):

Fulgent Genetics
Classification: Pathogenic for Polycystic kidney disease, adult type. Last evaluated: 2024-06-15. Review status: criteria provided, single submitter. Criteria: ACMG Guidelines, 2015. Collection method: clinical testing. Allele origin: germline.

GeneDx
Classification: Pathogenic. Last evaluated: 2023-09-21. Review status: criteria provided, single submitter. Criteria: GeneDx Variant Classification Process June 2021. Collection method: clinical testing. Allele origin: germline. Affected: yes.
Comment: Frameshift variant predicted to result in protein truncation or nonsense mediated decay in a gene for which loss-of-function is a known mechanism of disease; Not observed in large population cohorts (gnomAD); Has not been previously published as pathogenic or benign to our knowledge

NM_001009944.3(PKD1):c.10462dup (p.Gln3488fs)

Gene: PKD1 (polycystin 1, transient receptor potential channel interacting; minus strand). Cytogenetic location: 16p13.3.
Variant type: Duplication.
Coding change: c.10462dup on transcript NM_001009944.3 (MANE Select); coding-DNA position 10462, one base duplicated (C; older notation c.10462dupC).
Protein change: p.Gln3488fs; shifts the reading frame from glutamine 3488.
Molecular consequence: frameshift variant.
Genome position (GRCh38, 1-based): chr16:2,097,185, G duplicated on the plus strand (C on the coding strand, the reverse complement: PKD1 is on the minus strand); the first of 3 consecutive G bases (chr16:2,097,185-2,097,187); duplicating any one gives the same sequence. VCF-style (leftmost placement, unchanged base first): chr16-2097184-T-TG. GRCh37 (hg19) VCF-style: chr16-2147185-T-TG.
Other names: c.10459dup, p.Gln3487fs (NM_000296.4); short protein forms Q3487fs, Q3488fs.
Identifiers: ClinVar variation 1342776 (VCV001342776.6), dbSNP rs2091883381, ClinGen allele CA2202033502.